The following is an entry in ClinVar:

ClinVar aggregate classification (germline): Uncertain significance (1 of 4 stars; one submission).

gnomAD v4.1: 3 of 1,614,096 alleles (0.00019%); highest among the groups gnomAD compares: Non-Finnish European, 0.00017%; no homozygotes.

Submission:

Labcorp Genetics (formerly Invitae), Labcorp
Classification: Uncertain significance. Last evaluated: 2022-08-16. Review status: criteria provided, single submitter. Criteria: Invitae Variant Classification Sherloc (09022015). Collection method: clinical testing. Allele origin: germline.
Comment: This sequence change replaces lysine, which is basic and polar, with glutamic acid, which is acidic and polar, at codon 2231 of the ABCA1 protein (p.Lys2231Glu). This variant is not present in population databases (gnomAD no frequency). This variant has not been reported in the literature in individuals affected with ABCA1-related conditions. Advanced modeling of protein sequence and biophysical properties (such as structural, functional, and spatial information, amino acid conservation, physicochemical variation, residue mobility, and thermodynamic stability) performed at Invitae indicates that this missense variant is not expected to disrupt ABCA1 protein function. In summary, the available evidence is currently insufficient to determine the role of this variant in disease. Therefore, it has been classified as a Variant of Uncertain Significance.

NM_005502.4(ABCA1):c.6691A>G (p.Lys2231Glu)

Genes: ABCA1 (ATP binding cassette subfamily A member 1; minus strand), NIPSNAP3B (nipsnap homolog 3B; plus strand). Cytogenetic location: 9q31.1.
Variant type: single nucleotide variant.
Coding change: c.6691A>G on transcript NM_005502.4 (MANE Select); coding-DNA position 6691, A replaced by G.
Protein change: p.Lys2231Glu; replaces lysine 2231 with glutamic acid.
Molecular consequence: missense variant.
Genome position (GRCh38, 1-based): chr9:104,784,410, T>C on the plus strand (A>G on the coding strand, the complement: ABCA1 is on the minus strand). VCF-style: chr9-104784410-T-C. GRCh37 (hg19) VCF-style: chr9-107546691-T-C.
Other names: short protein forms K2231E.
Identifiers: ClinVar variation 1969364 (VCV001969364.5), dbSNP rs1467223032, ClinGen allele CA374310893.